The following is an entry in ClinVar:

NM_003289.4(TPM2):c.565A>G (p.Lys189Glu)

Gene: TPM2 (tropomyosin 2; minus strand). Cytogenetic location: 9p13.3.
Variant type: single nucleotide variant.
Coding change: c.565A>G on transcript NM_003289.4 (MANE Select); coding-DNA position 565, A replaced by G.
Protein change: p.Lys189Glu; replaces lysine 189 with glutamic acid.
Molecular consequence: missense variant. On other transcripts: intron variant (2).
Genome position (GRCh38, 1-based): chr9:35,684,806, T>C on the plus strand (A>G on the coding strand, the complement: TPM2 is on the minus strand). VCF-style: chr9-35684806-T-C. GRCh37 (hg19) VCF-style: chr9-35684803-T-C.
Other names: c.565A>G, p.Lys189Glu (NM_001301226.2); c.640-256A>G (NM_213674.1, NM_001301227.2); short protein forms K189E.
Identifiers: ClinVar variation 1307765 (VCV001307765.5), dbSNP rs2131849903, ClinGen allele CA373365611.

ClinVar aggregate classification (germline): Uncertain significance. Review status: criteria provided, multiple submitters, no conflicts (2 of 4 stars). 2 submissions from 2 submitters: Uncertain significance (2). Last evaluated 2023-07-03.

Conditions:
Arthrogryposis, distal, type 1A. Also called: ARTHROGRYPOSIS MULTIPLEX CONGENITA, DISTAL, TYPE I. Identifiers: Orphanet 1146, MedGen C6022280, MONDO:0007157, OMIM 108120.

Submissions (2):

Labcorp Genetics (formerly Invitae), Labcorp
Classification: Uncertain significance for Arthrogryposis, distal, type 1A. Last evaluated: 2023-07-03. Review status: criteria provided, single submitter. Criteria: Invitae Variant Classification Sherloc (09022015). Collection method: clinical testing. Allele origin: germline.
Comment: In summary, the available evidence is currently insufficient to determine the role of this variant in disease. Therefore, it has been classified as a Variant of Uncertain Significance. An algorithm developed to predict the effect of missense changes on protein structure and function (PolyPhen-2) suggests that this variant is likely to be tolerated. ClinVar contains an entry for this variant (Variation ID: 1307765). This variant has not been reported in the literature in individuals affected with TPM2-related conditions. This variant is not present in population databases (gnomAD no frequency). This sequence change replaces lysine, which is basic and polar, with glutamic acid, which is acidic and polar, at codon 189 of the TPM2 protein (p.Lys189Glu).

GeneDx
Classification: Uncertain significance. Last evaluated: 2019-08-14. Review status: criteria provided, single submitter. Criteria: GeneDx Variant Classification Process June 2021. Collection method: clinical testing. Allele origin: germline. Affected: yes.
Comment: Not observed in large population cohorts (Lek et al., 2016); The majority of missense variants in this gene are considered pathogenic (Stenson et al., 2014); In silico analysis, which includes protein predictors and evolutionary conservation, supports a deleterious effect; Has not been previously published as pathogenic or benign to our knowledge